The following is an entry in ClinVar:

NM_000218.3(KCNQ1):c.1032+5dup

Gene: KCNQ1 (potassium voltage-gated channel subfamily Q member 1; plus strand). Cytogenetic location: 11p15.5.
Variant type: Duplication.
Coding change: c.1032+5dup on transcript NM_000218.3 (MANE Select); 5 bases into the intron after coding-DNA position 1032, one base duplicated (G; older notation c.1032+5dupG).
Molecular consequence: intron variant.
Genome position (GRCh38, 1-based): chr11:2,583,550, G duplicated; the last of 2 consecutive G bases (chr11:2,583,549-2,583,550); duplicating either gives the same sequence. VCF-style (leftmost placement, unchanged base first): chr11-2583548-A-AG. GRCh37 (hg19) VCF-style: chr11-2604778-A-AG.
Other names: c.1032+5dupG (NM_000218.2); c.762+5dup (NM_001406837.1); c.1032+5dup (NM_001406836.1); c.588+5dup (NM_001406838.1); c.651+5dup (NM_181798.2).
Identifiers: ClinVar variation 200886 (VCV000200886.4), dbSNP rs794728560, ClinGen allele CA305983.
Genomic context (GRCh38, chr11:2,583,548, plus strand): 5'-GAAGACCATCGCCTCCTGCTTCTCTGTCTTTGCCATCTCCTTCTTTGCGCTCCCAGCGGT[A>AG]GGTGCCCCGTGGGTGCGTTTTCCCTGGCTCCTTGGACAGCTGGGGTCCTGGGGTGGCTGC-3'

ClinVar aggregate classification (germline): Uncertain significance (1 of 4 stars; one submission).

Conditions:
Cardiac arrhythmia. Also called: Arrhythmia; Cardiac rhythm disease. Identifiers: MedGen C0003811, MONDO:0007263, HP:0011675.

Submission:

GeneDx
Classification: Uncertain significance for Cardiac arrhythmia. Last evaluated: 2014-08-25. Review status: criteria provided, single submitter. Criteria: GeneDx Variant Classification (06012015). Collection method: clinical testing. Allele origin: germline. Affected: yes.
Comment: c.1032+5dupG: IVS7+5dupG in intron 7 of the KCNQ1 gene (NM_000218.2). The normal sequence with the base that is inserted in braces is: GTAGG[G]TGCC. The c.1032+5_1032+6insG variant has not been reported as a disease-causing mutation or as a benign polymorphism to our knowledge. The c.1032+5_1032+6insG variant was not observed in approximately 6,500 individuals of European and African American ancestry in the NHLBI Exome Sequencing Project, indicating it is not a common benign variant in these populations. Two splice site mutations in the same nucleotide and other splice site mutations in the KCNQ1 gene have been reported in association with LQTS. Furthermore, in silico analysis using different splice algorithms predicts that c.1032+5dupG reduces the efficiency or completely abolishes the splice donor site in intron 7 and therefore may cause abnormal gene splicing. However, in the absence of functional mRNA studies, the physiological consequence of this variant cannot be precisely determined. Therefore, based on the currently available information, it is unclear whether this variant is a pathogenic mutation or a rare benign variant. The variant is found in LQT panel(s).